The following is an entry in ClinVar:

ClinVar aggregate classification (germline): Pathogenic (1 of 4 stars; one submission).

Conditions:
Alport syndrome. Also called: Hemorrhagic familial nephritis; Hemorrhagic hereditary nephritis; Congenital hereditary hematuria. Identifiers: Orphanet 63, MedGen C1567741, MONDO:0018965.

Submission:

Myriad Genetics, Inc.
Classification: Pathogenic for Alport syndrome. Last evaluated: 2024-04-02. Review status: criteria provided, single submitter. Criteria: Myriad Autosomal Dominant, Autosomal Recessive and X-Linked Classification Criteria (2023). Collection method: clinical testing. Allele origin: unknown.
Comment: NM_000092.4(COL4A4):c.1220dupC(G408Wfs*22) is expected to be pathogenic in the context of Alport syndrome, COL4A4-related. This variant is predicted to lead to an abnormal or absent protein product due to the creation of a premature termination codon in COL4A4, a gene where loss-of-function variants are known to be pathogenic. Please note: this variant was assessed in the context of healthy population screening.

NM_000092.5(COL4A4):c.1220dup (p.Gly408fs)

Gene: COL4A4 (collagen type IV alpha 4 chain; minus strand). Cytogenetic location: 2q36.3.
Variant type: Duplication.
Coding change: c.1220dup on transcript NM_000092.5 (MANE Select); coding-DNA position 1220, one base duplicated (C; older notation c.1220dupC).
Protein change: p.Gly408fs; shifts the reading frame from glycine 408.
Molecular consequence: frameshift variant.
Genome position (GRCh38, 1-based): chr2:227,094,274, G duplicated on the plus strand (C on the coding strand, the reverse complement: COL4A4 is on the minus strand); the first of 5 consecutive G bases (chr2:227,094,274-227,094,278); duplicating any one gives the same sequence. VCF-style (leftmost placement, unchanged base first): chr2-227094273-A-AG. GRCh37 (hg19) VCF-style: chr2-227958989-A-AG.
Other names: short protein forms G408fs.
Identifiers: ClinVar variation 5012886 (VCV005012886.1).